The following is an entry in ClinVar:

NM_001042492.3(NF1):c.6230A>G (p.Asp2077Gly)

Gene: NF1 (neurofibromin 1; plus strand). Cytogenetic location: 17q11.2.
Variant type: single nucleotide variant.
Coding change: c.6230A>G on transcript NM_001042492.3 (MANE Select); coding-DNA position 6230, A replaced by G.
Protein change: p.Asp2077Gly; replaces aspartic acid 2077 with glycine.
Molecular consequence: missense variant.
Genome position (GRCh38, 1-based): chr17:31,336,717, A>G. VCF-style: chr17-31336717-A-G. GRCh37 (hg19) VCF-style: chr17-29663735-A-G.
Other names: c.6167A>G, p.Asp2056Gly (NM_000267.4); short protein forms D2056G, D2077G.
Identifiers: ClinVar variation 1382204 (VCV001382204.9), dbSNP rs1555534684, ClinGen allele CA399012029.

ClinVar aggregate classification (germline): Uncertain significance. Review status: criteria provided, multiple submitters, no conflicts (2 of 4 stars). 2 submissions from 2 submitters: Uncertain significance (2). Last evaluated 2025-12-17.

Conditions:
Neurofibromatosis, type 1 (NF1). Also called: VON RECKLINGHAUSEN DISEASE; Peripheral type neurofibromatosis; Neurofibromatosis, type I; NEUROFIBROMATOSIS, TYPE I, SOMATIC. Identifiers: Orphanet 636, MedGen C0027831, MONDO:0018975, OMIM 162200. Disease mechanism: loss of function.

Submissions (2):

Labcorp Genetics (formerly Invitae), Labcorp
Classification: Uncertain significance for Neurofibromatosis, type 1. Last evaluated: 2025-12-17. Review status: criteria provided, single submitter. Criteria: Invitae Variant Classification Sherloc (09022015). Collection method: clinical testing. Allele origin: germline.
Comment: This sequence change replaces aspartic acid, which is acidic and polar, with glycine, which is neutral and non-polar, at codon 2056 of the NF1 protein (p.Asp2056Gly). This variant is not present in population databases (gnomAD no frequency). This variant has not been reported in the literature in individuals affected with NF1-related conditions. ClinVar contains an entry for this variant (Variation ID: 1382204). Invitae Evidence Modeling of protein sequence and biophysical properties (such as structural, functional, and spatial information, amino acid conservation, physicochemical variation, residue mobility, and thermodynamic stability) indicates that this missense variant is expected to disrupt NF1 protein function with a positive predictive value of 95%. In summary, the available evidence is currently insufficient to determine the role of this variant in disease. Therefore, it has been classified as a Variant of Uncertain Significance.

Quest Diagnostics Nichols Institute San Juan Capistrano
Classification: Uncertain significance. Last evaluated: 2024-02-12. Review status: criteria provided, single submitter. Criteria: Quest Diagnostics criteria. Collection method: clinical testing. Allele origin: unknown.